The following is an entry in ClinVar:

NM_020822.3(KCNT1):c.474G>A (p.Ser158=)

Gene: KCNT1 (potassium sodium-activated channel subfamily T member 1; plus strand). Cytogenetic location: 9q34.3.
Variant type: single nucleotide variant.
Coding change: c.474G>A on transcript NM_020822.3 (MANE Select); coding-DNA position 474, G replaced by A.
Protein change: p.Ser158=; no amino-acid change (serine 158 retained).
Molecular consequence: synonymous variant.
Genome position (GRCh38, 1-based): chr9:135,753,976, G>A. VCF-style: chr9-135753976-G-A. GRCh37 (hg19) VCF-style: chr9-138645822-G-A.
Other names: c.330G>A, p.Ser110= (NM_001272003.2).
Identifiers: ClinVar variation 384843 (VCV000384843.51), dbSNP rs139076605, ClinGen allele CA5326450.
Genomic context (GRCh38, chr9:135,753,976, plus strand): 5'-CAGCGCTGTGTCTCTCCACAGCTGGGGCTGCCCAAAGCAGAACTACTCCTTCAATGACTC[G>A]TCCTCCGAGATCAACTGGTGAGTCCACACTCCAGCTCCCAATAGCCAGGCGCTCAGAGGC-3'
Protein context (NP_065873.2, residues 148-168): CPKQNYSFND[Ser158=]SSEINWAPIL

ClinVar aggregate classification (germline): Conflicting classifications of pathogenicity. Review status: criteria provided, conflicting classifications (1 of 4 stars). 8 submissions from 8 submitters: Uncertain significance (1); Benign (3); Likely benign (4). Last evaluated 2026-03-01.

Conditions:
Inborn genetic diseases. Identifiers: MedGen C0950123, MeSH D030342.
Developmental and epileptic encephalopathy, 14 (DEE14). Also called: Early infantile epileptic encephalopathy 14. Identifiers: Orphanet 293181, MedGen C3554195, MONDO:0013989, OMIM 614959.
Autosomal dominant nocturnal frontal lobe epilepsy 5. Also called: CILIARY DYSKINESIA, PRIMARY, 28, WITHOUT SITUS INVERSUS; CILIARY DYSKINESIA, PRIMARY, 28, WITH SITUS INVERSUS; KCNT1-Related Epilepsy; Epilepsy, nocturnal frontal lobe, 5. Identifiers: Orphanet 98784, MedGen C3554306, MONDO:0014002, OMIM 615005.

Allele frequency attached by ClinVar (database versions not stated): gnomAD 0.00019 and 0.00023; ESP Exome Variant Server 0.00023; TOPMed 0.00023; ExAC 0.00038; gnomAD exomes 0.00039; 1000 Genomes Project 0.00040; 1000 Genomes Project 30x 0.00047.
gnomAD v4.1: 577 of 1,614,072 alleles (0.036%); highest among the groups gnomAD compares: Middle Eastern, 0.2%; 2 homozygotes.

Submissions (8):

CeGaT Center for Human Genetics Tuebingen
Classification: Likely benign. Last evaluated: 2026-03-01. Review status: criteria provided, single submitter. Criteria: CeGaT Center For Human Genetics Tuebingen Variant Classification Criteria Version 2. Collection method: clinical testing. Allele origin: germline. Affected: yes. Observed: 6 variant alleles.
Comment: KCNT1: BP4, BP7

Labcorp Genetics (formerly Invitae), Labcorp
Classification: Benign for Autosomal dominant nocturnal frontal lobe epilepsy 5; Developmental and epileptic encephalopathy, 14. Last evaluated: 2026-01-21. Review status: criteria provided, single submitter. Criteria: Invitae Variant Classification Sherloc (09022015). Collection method: clinical testing. Allele origin: germline.

Blueprint Genetics
Classification: Likely benign. Last evaluated: 2024-10-07. Review status: criteria provided, single submitter. Criteria: ACMG Guidelines, 2015. Collection method: clinical testing. Allele origin: germline.

Revvity Omics, Revvity
Classification: Benign. Last evaluated: 2023-10-30. Review status: criteria provided, single submitter. Criteria: ACMG Guidelines, 2015. Collection method: clinical testing. Allele origin: germline.

GeneDx
Classification: Likely benign. Last evaluated: 2019-12-06. Review status: criteria provided, single submitter. Criteria: GeneDx Variant Classification Process June 2021. Collection method: clinical testing. Allele origin: germline. Affected: yes.

Athena Diagnostics
Classification: Benign. Last evaluated: 2019-06-10. Review status: criteria provided, single submitter. Criteria: Athena Diagnostics Criteria. Collection method: clinical testing. Allele origin: germline.

Ambry Genetics
Classification: Likely benign for Inborn genetic diseases. Last evaluated: 2017-01-17. Review status: criteria provided, single submitter. Criteria: Ambry Variant Classification Scheme 2023. Collection method: clinical testing. Allele origin: germline.

Eurofins Ntd Llc (ga)
Classification: Uncertain significance. Last evaluated: 2017-01-13. Review status: criteria provided, single submitter. Criteria: EGL Classification Definitions 2015. Collection method: clinical testing. Allele origin: germline. Observed: 1 variant allele, 1 heterozygote.